The following is an entry in ClinVar:

NC_012920.1(MT-CO3):m.9967T>C

Gene: MT-CO3 (mitochondrially encoded cytochrome c oxidase III; plus strand).
Variant type: single nucleotide variant.
Genome position: chrM-9967-T-C.
Identifiers: ClinVar variation 693254 (VCV000693254.1), dbSNP rs1603222598, ClinGen allele CA414804121.

ClinVar aggregate classification (germline): Uncertain significance (1 of 4 stars; one submission).

Conditions:
Leigh syndrome (NULS). Also called: Leigh's necrotizing encephalopathy; Leigh's disease; Leigh Syndrome (mtDNA deletion); Leigh Disease; Subacute necrotizing encephalopathy; Necrotizing encephalopathy infantile subacute of Leigh. Identifiers: Orphanet 506, MedGen C2931891, MONDO:0009723, OMIM 256000.

Submission:

Wong Mito Lab, Molecular and Human Genetics, Baylor College of Medicine
Classification: Uncertain significance for Leigh syndrome. Last evaluated: 2019-10-17. Review status: criteria provided, single submitter. Criteria: Modified ACMG Guidelines (Unpublished). Collection method: clinical testing. Allele origin: germline.
Comment: The NC_012920.1:m.9967T>C (YP_003024032.1:p.Val254Ala) variant in MTCO3 gene is interpretated to be a Uncertain Significance variant based on the modified ACMG guidelines (unpublished). This variant meets the following evidence codes: BP4